The following is an entry in ClinVar:

ClinVar aggregate classification (germline): Uncertain significance (1 of 4 stars; one submission).

Conditions:
Autoimmune lymphoproliferative syndrome type 1. Also called: AUTOIMMUNE LYMPHOPROLIFERATIVE SYNDROME, TYPE I, AUTOSOMAL DOMINANT. Identifiers: Orphanet 3261, MedGen C2717884, MONDO:0011158, OMIM 601859.

Allele frequency attached by ClinVar (database versions not stated): ESP Exome Variant Server 0.00008; gnomAD exomes 0.00002; 1000 Genomes Project 30x 0.00016.
gnomAD v4.1: 32 of 1,614,094 alleles (0.002%); highest among the groups gnomAD compares: South Asian, 0.035%; no homozygotes.

Submission:

Labcorp Genetics (formerly Invitae), Labcorp
Classification: Uncertain significance for Autoimmune lymphoproliferative syndrome. Last evaluated: 2022-07-06. Review status: criteria provided, single submitter. Criteria: Invitae Variant Classification Sherloc (09022015). Collection method: clinical testing. Allele origin: germline.
Comment: This sequence change replaces valine, which is neutral and non-polar, with isoleucine, which is neutral and non-polar, at codon 211 of the FASLG protein (p.Val211Ile). This variant is present in population databases (rs147369993, gnomAD 0.05%). This variant has not been reported in the literature in individuals affected with FASLG-related conditions. Algorithms developed to predict the effect of missense changes on protein structure and function are either unavailable or do not agree on the potential impact of this missense change (SIFT: "Tolerated"; PolyPhen-2: "Probably Damaging"; Align-GVGD: "Class C0"). In summary, the available evidence is currently insufficient to determine the role of this variant in disease. Therefore, it has been classified as a Variant of Uncertain Significance.

NM_000639.3(FASLG):c.631G>A (p.Val211Ile)

Gene: FASLG (Fas ligand; plus strand). Cytogenetic location: 1q24.3.
Variant type: single nucleotide variant.
Coding change: c.631G>A on transcript NM_000639.3 (MANE Select); coding-DNA position 631, G replaced by A.
Protein change: p.Val211Ile; replaces valine 211 with isoleucine.
Molecular consequence: missense variant. On other transcripts: 3 prime UTR variant (1).
Genome position (GRCh38, 1-based): chr1:172,665,801, G>A. VCF-style: chr1-172665801-G-A. GRCh37 (hg19) VCF-style: chr1-172634941-G-A.
Other names: c.*201G>A (NM_001302746.2); short protein forms V211I.
Identifiers: ClinVar variation 1985077 (VCV001985077.1), dbSNP rs147369993, ClinGen allele CA1247595.
Genomic context (GRCh38, chr1:172,665,801, plus strand): 5'-GTATATTCCAAAGTATACTTCCGGGGTCAATCTTGCAACAACCTGCCCCTGAGCCACAAG[G>A]TCTACATGAGGAACTCTAAGTATCCCCAGGATCTGGTGATGATGGAGGGGAAGATGATGA-3'
Protein context (NP_000630.1, residues 201-221): SCNNLPLSHK[Val211Ile]YMRNSKYPQD